The following is an entry in ClinVar:

NM_004484.4(GPC3):c.697C>G (p.Leu233Val)

Gene: GPC3 (glypican 3; minus strand). Cytogenetic location: Xq26.2.
Variant type: single nucleotide variant.
Coding change: c.697C>G on transcript NM_004484.4 (MANE Select); coding-DNA position 697, C replaced by G.
Protein change: p.Leu233Val; replaces leucine 233 with valine.
Molecular consequence: missense variant.
Genome position (GRCh38, 1-based): chrX:133,753,817, G>C on the plus strand (C>G on the coding strand, the complement: GPC3 is on the minus strand). VCF-style: chrX-133753817-G-C. GRCh37 (hg19) VCF-style: chrX-132887844-G-C.
Other names: c.697C>G, p.Leu233Val (NM_001164617.2); c.649C>G, p.Leu217Val (NM_001164618.2); c.535C>G, p.Leu179Val (NM_001164619.2); short protein forms L217V, L179V, L233V.
Identifiers: ClinVar variation 2084291 (VCV002084291.4), dbSNP rs2521355758, ClinGen allele CA414706058.

ClinVar aggregate classification (germline): Uncertain significance (1 of 4 stars; one submission).

Conditions:
Wilms tumor 1 (WT1). Also called: Wilms tumor, somatic. Identifiers: Orphanet 654, MedGen CN033288, MONDO:0008679, OMIM 194070.

Submission:

Labcorp Genetics (formerly Invitae), Labcorp
Classification: Uncertain significance for Wilms tumor 1. Last evaluated: 2024-10-23. Review status: criteria provided, single submitter. Criteria: Invitae Variant Classification Sherloc (09022015). Collection method: clinical testing. Allele origin: germline.
Comment: This sequence change replaces leucine, which is neutral and non-polar, with valine, which is neutral and non-polar, at codon 233 of the GPC3 protein (p.Leu233Val). This variant is not present in population databases (gnomAD no frequency). This variant has not been reported in the literature in individuals affected with GPC3-related conditions. ClinVar contains an entry for this variant (Variation ID: 2084291). Invitae Evidence Modeling of protein sequence and biophysical properties (such as structural, functional, and spatial information, amino acid conservation, physicochemical variation, residue mobility, and thermodynamic stability) indicates that this missense variant is expected to disrupt GPC3 protein function with a positive predictive value of 80%. In summary, the available evidence is currently insufficient to determine the role of this variant in disease. Therefore, it has been classified as a Variant of Uncertain Significance.